The following is an entry in ClinVar:

ClinVar aggregate classification (germline): Uncertain significance (1 of 4 stars; one submission).

Conditions:
Atrioventricular septal defect 5 (AVSD5). Identifiers: MedGen C3280939, MONDO:0013769, OMIM 614474.

Allele frequency attached by ClinVar (database versions not stated): gnomAD exomes below 0.00001; TOPMed below 0.00001.
gnomAD v4.1: 1 of 1,599,476 alleles (0.000063%); highest among the groups gnomAD compares: Non-Finnish European, 0.000085%; no homozygotes.

Submission:

Labcorp Genetics (formerly Invitae), Labcorp
Classification: Uncertain significance for Atrioventricular septal defect 5. Last evaluated: 2022-11-15. Review status: criteria provided, single submitter. Criteria: Invitae Variant Classification Sherloc (09022015). Collection method: clinical testing. Allele origin: germline.
Comment: Experimental studies have shown that this missense change does not substantially affect GATA6 function (PMID: 29101065). In summary, the available evidence is currently insufficient to determine the role of this variant in disease. Therefore, it has been classified as a Variant of Uncertain Significance. Algorithms developed to predict the effect of missense changes on protein structure and function (SIFT, PolyPhen-2, Align-GVGD) all suggest that this variant is likely to be tolerated. ClinVar contains an entry for this variant (Variation ID: 1429267). This missense change has been observed in individual(s) with transposition of the great arteries (PMID: 29101065). This variant is not present in population databases (gnomAD no frequency). This sequence change replaces alanine, which is neutral and non-polar, with glutamic acid, which is acidic and polar, at codon 29 of the GATA6 protein (p.Ala29Glu).

Literature cited by the submitters: PubMed 29101065.

NM_005257.6(GATA6):c.86C>A (p.Ala29Glu)

Gene: GATA6 (GATA binding protein 6; plus strand). Cytogenetic location: 18q11.2.
Variant type: single nucleotide variant.
Coding change: c.86C>A on transcript NM_005257.6 (MANE Select); coding-DNA position 86, C replaced by A.
Protein change: p.Ala29Glu; replaces alanine 29 with glutamic acid.
Molecular consequence: missense variant.
Genome position (GRCh38, 1-based): chr18:22,171,230, C>A. VCF-style: chr18-22171230-C-A. GRCh37 (hg19) VCF-style: chr18-19751191-C-A.
Other names: short protein forms A29E.
Identifiers: ClinVar variation 1429267 (VCV001429267.8), dbSNP rs1185015412, ClinGen allele CA401798589.